The following is an entry in ClinVar:

NC_012920.1(MT-TR):m.10410T>C

Gene: MT-TR (mitochondrially encoded tRNA arginine; plus strand).
Variant type: single nucleotide variant.
Genome position: chrM-10410-T-C.
Identifiers: ClinVar variation 690114 (VCV000690114.1), dbSNP rs200478835, ClinGen allele CA337098831.

ClinVar aggregate classification (germline): Benign (1 of 4 stars; one submission).

Conditions:
MELAS syndrome (MELAS). Also called: Juvenile myopathy, encephalopathy, lactic acidosis, stroke. Identifiers: Orphanet 550, MedGen C0162671, MONDO:0010789, OMIM 540000.

Submission:

Wong Mito Lab, Molecular and Human Genetics, Baylor College of Medicine
Classification: Benign for MELAS syndrome. Last evaluated: 2019-07-12. Review status: criteria provided, single submitter. Criteria: Modified ACMG Guidelines (Unpublished). Collection method: clinical testing. Allele origin: germline.
Comment: The NC_012920.1:m.10410T>C variant in MT-TR gene is interpreted to be a Benign variant based on the modified ACMG guidelines (unpublished). This variant meets the following evidence codes reported in the guidelines: BS1, BS2, BP4

Literature cited by the submitters: PubMed 31965079.